The following is an entry in ClinVar:

ClinVar aggregate classification (germline): Pathogenic (1 of 4 stars; one submission).

Submission:

Labcorp Genetics (formerly Invitae), Labcorp
Classification: Pathogenic. Last evaluated: 2022-04-24. Review status: criteria provided, single submitter. Criteria: Invitae Variant Classification Sherloc (09022015). Collection method: clinical testing. Allele origin: germline.
Comment: For these reasons, this variant has been classified as Pathogenic. This variant has not been reported in the literature in individuals affected with LRPPRC-related conditions. This sequence change creates a premature translational stop signal (p.Ile999Serfs*25) in the LRPPRC gene. It is expected to result in an absent or disrupted protein product. Loss-of-function variants in LRPPRC are known to be pathogenic (PMID: 26510951). This variant is not present in population databases (gnomAD no frequency).

Literature cited by the submitters: PubMed 26510951.

NM_133259.4(LRPPRC):c.2995del (p.Ile999fs)

Gene: LRPPRC (leucine rich pentatricopeptide repeat containing; minus strand). Cytogenetic location: 2p21.
Variant type: Deletion.
Coding change: c.2995del on transcript NM_133259.4 (MANE Select); coding-DNA position 2995, one base deleted (A; older notation c.2995delA).
Protein change: p.Ile999fs; shifts the reading frame from isoleucine 999.
Molecular consequence: frameshift variant.
Genome position (GRCh38, 1-based): chr2:43,918,300, T deleted on the plus strand (A on the coding strand, the reverse complement: LRPPRC is on the minus strand); the first of 3 consecutive T bases (chr2:43,918,300-43,918,302); deleting any one gives the same sequence. VCF-style (leftmost placement, unchanged base first): chr2-43918299-AT-A. GRCh37 (hg19) VCF-style: chr2-44145438-AT-A.
Other names: short protein forms I999fs.
Identifiers: ClinVar variation 2130202 (VCV002130202.4), dbSNP rs2466452128, ClinGen allele CA2580066479.